The following is an entry in ClinVar:

ClinVar aggregate classification (germline): Likely benign. Review status: criteria provided, multiple submitters, no conflicts (2 of 4 stars). 2 submissions from 2 submitters: Likely benign (2). Last evaluated 2025-12-26.

Allele frequency attached by ClinVar (database versions not stated): ExAC 0.00028; 1000 Genomes Project 0.00040; gnomAD 0.00045; ESP Exome Variant Server 0.00047; TOPMed 0.00049; 1000 Genomes Project 30x 0.00062.
gnomAD v4.1: 237 of 1,602,040 alleles (0.015%); highest among the groups gnomAD compares: African/African-American, 0.16%; no homozygotes.

Submissions (2):

Labcorp Genetics (formerly Invitae), Labcorp
Classification: Likely benign. Last evaluated: 2025-12-26. Review status: criteria provided, single submitter. Criteria: Invitae Variant Classification Sherloc (09022015). Collection method: clinical testing. Allele origin: germline.

CeGaT Center for Human Genetics Tuebingen
Classification: Likely benign. Last evaluated: 2023-06-01. Review status: criteria provided, single submitter. Criteria: CeGaT Center For Human Genetics Tuebingen Variant Classification Criteria Version 2. Collection method: clinical testing. Allele origin: germline. Affected: yes. Observed: 1 variant allele.
Comment: CPAMD8: BP4, BP7

NM_015692.5(CPAMD8):c.3978G>A (p.Pro1326=)

Gene: CPAMD8 (C3 and PZP like alpha-2-macroglobulin domain containing 8; minus strand). Cytogenetic location: 19p13.11.
Variant type: single nucleotide variant.
Coding change: c.3978G>A on transcript NM_015692.5 (MANE Select); coding-DNA position 3978, G replaced by A.
Protein change: p.Pro1326=; no amino-acid change (proline 1326 retained).
Molecular consequence: synonymous variant.
Genome position (GRCh38, 1-based): chr19:16,907,001, C>T on the plus strand (G>A on the coding strand, the complement: CPAMD8 is on the minus strand). VCF-style: chr19-16907001-C-T. GRCh37 (hg19) VCF-style: chr19-17017811-C-T.
Identifiers: ClinVar variation 2649524 (VCV002649524.27), dbSNP rs200048344, ClinGen allele CA9284777.